The following is an entry in ClinVar:

ClinVar aggregate classification (germline): Uncertain significance. Review status: criteria provided, single submitter (1 of 4 stars). 2 submissions from 2 submitters: Uncertain significance (1). 1 of the submissions does not count toward it. Last evaluated 2026-07-01.

Conditions:
Glycogen storage disease, type II (IOPD). Also called: POMPE DISEASE, INFANTILE-ONSET; GLYCOGEN STORAGE DISEASE II, INFANTILE-ONSET; ACID ALPHA-GLUCOSIDASE DEFICIENCY, INFANTILE-ONSET; GAA DEFICIENCY, INFANTILE-ONSET; ACID MALTASE DEFICIENCY, INFANTILE-ONSET; CARDIOMEGALIA GLYCOGENICA DIFFUSA. Identifiers: Orphanet 365, MedGen C0017921, MONDO:0009290, OMIM 232300.

Submissions (2):

Genomenon, Inc
Classification: Uncertain significance for Glycogen storage disease, type II. Last evaluated: 2026-07-01. Review status: criteria provided, single submitter. Criteria: Genomenon Sequence Variant Interpretation Standards - Updated. Collection method: curation. Allele origin: germline. Affected: no.
Comment: GAA p.Asn919LysfsTer24 (c.2757del) is a frameshift variant that is predicted to introduce a premature termination codon and result in a truncated or absent protein product. This variant has been reported in the published literature (PMID:31342611;30155607;33560568). It is absent or not present at a significant frequency in gnomAD. In conclusion, we classify GAA p.Asn919LysfsTer24 (c.2757del) as a variant of uncertain significance.

Counsyl
Classification: Uncertain significance for Glycogen storage disease, type II. Last evaluated: 2017-10-06. Review status: no assertion criteria provided. Collection method: clinical testing. Allele origin: unknown. Not counted in ClinVar's aggregate classification.

Literature cited by the submitters: PubMed 31342611 (cited by Genomenon, Inc); PubMed 30155607 (cited by Genomenon, Inc); PubMed 33560568 (cited by Genomenon, Inc).

NM_000152.5(GAA):c.2757del (p.Asn919fs)

Gene: GAA (alpha glucosidase; plus strand). Cytogenetic location: 17q25.3.
Variant type: Deletion.
Coding change: c.2757del on transcript NM_000152.5 (MANE Select); coding-DNA position 2757, one base deleted (C; older notation c.2757delC).
Protein change: p.Asn919fs; shifts the reading frame from asparagine 919.
Molecular consequence: frameshift variant.
Genome position (GRCh38, 1-based): chr17:80,118,763, C deleted. VCF-style (leftmost placement, unchanged base first): chr17-80118762-AC-A. GRCh37 (hg19) VCF-style: chr17-78092561-AC-A.
Other names: c.2757del, p.Asn919fs (NM_001079803.3, NM_001079804.3); c.2757del (LRG_673t1); short protein forms N919fs.
Identifiers: ClinVar variation 550028 (VCV000550028.3), dbSNP rs1555603283, ClinGen allele CA658824792.